The following is an entry in ClinVar:

ClinVar aggregate classification (germline): Uncertain significance. Review status: criteria provided, multiple submitters, no conflicts (2 of 4 stars). 3 submissions from 3 submitters: Uncertain significance (3). Last evaluated 2026-03-23.

Conditions:
Inborn genetic diseases. Identifiers: MedGen C0950123, MeSH D030342.
Charcot-Marie-Tooth disease axonal type 2C (HMSN2C). Also called: CHARCOT-MARIE-TOOTH DISEASE, AXONAL, AUTOSOMAL DOMINANT, TYPE 2C; Charcot-Marie-Tooth Neuropathy Type 2C; Charcot-Marie-Tooth Disease Type 2, TRPV4-Related (CMT2C). Identifiers: Orphanet 99937, MedGen C1853710, MONDO:0011633, OMIM 606071.

Allele frequency attached by ClinVar (database versions not stated): TOPMed below 0.00001; gnomAD exomes 0.00001; ExAC 0.00003.
gnomAD v4.1: 8 of 1,613,874 alleles (0.0005%); highest among the groups gnomAD compares: Admixed American, 0.005%; no homozygotes.

Submissions (3):

Women's Health and Genetics/Laboratory Corporation of America, LabCorp
Classification: Uncertain significance. Last evaluated: 2026-03-23. Review status: criteria provided, single submitter. Criteria: LabCorp Variant Classification Summary - May 2015. Collection method: clinical testing. Allele origin: germline.
Comment: Variant summary: TRPV4 c.166C>T (p.Arg56Cys) results in a non-conservative amino acid change in the encoded protein sequence. Algorithms developed to predict the effect of missense changes on protein structure and function all suggest that this variant is likely to be disruptive. The variant allele was found at a frequency of 1.2e-05 in 249808 control chromosomes. The available data on variant occurrences in the general population are insufficient to allow any conclusion about variant significance. To our knowledge, no occurrence of c.166C>T in individuals affected with TRPV4-related conditions and no experimental evidence demonstrating its impact on protein function have been reported. ClinVar contains an entry for this variant (Variation ID: 837170). Based on the evidence outlined above, the variant was classified as uncertain significance.

Ambry Genetics
Classification: Uncertain significance for Inborn genetic diseases. Last evaluated: 2021-12-16. Review status: criteria provided, single submitter. Criteria: Ambry Variant Classification Scheme 2023. Collection method: clinical testing. Allele origin: germline.
Comment: The p.R56C variant (also known as c.166C>T), located in coding exon 1 of the TRPV4 gene, results from a C to T substitution at nucleotide position 166. The arginine at codon 56 is replaced by cysteine, an amino acid with highly dissimilar properties. This amino acid position is conserved. In addition, the in silico prediction for this alteration is inconclusive. Since supporting evidence is limited at this time, the clinical significance of this alteration remains unclear.

Labcorp Genetics (formerly Invitae), Labcorp
Classification: Uncertain significance for Charcot-Marie-Tooth disease axonal type 2C. Last evaluated: 2019-06-17. Review status: criteria provided, single submitter. Criteria: Invitae Variant Classification Sherloc (09022015). Collection method: clinical testing. Allele origin: germline.
Comment: In summary, the available evidence is currently insufficient to determine the role of this variant in disease. Therefore, it has been classified as a Variant of Uncertain Significance. Algorithms developed to predict the effect of missense changes on protein structure and function are either unavailable or do not agree on the potential impact of this missense change (SIFT: "Deleterious"; PolyPhen-2: "Possibly Damaging"; Align-GVGD: "Class C0"). This variant has not been reported in the literature in individuals with TRPV4-related conditions. The frequency data for this variant in the population databases is considered unreliable, as metrics indicate poor data quality at this position in the ExAC database. This sequence change replaces arginine with cysteine at codon 56 of the TRPV4 protein (p.Arg56Cys). The arginine residue is weakly conserved and there is a large physicochemical difference between arginine and cysteine.

NM_021625.5(TRPV4):c.166C>T (p.Arg56Cys)

Gene: TRPV4 (transient receptor potential cation channel subfamily V member 4; minus strand). Cytogenetic location: 12q24.11.
Variant type: single nucleotide variant.
Coding change: c.166C>T on transcript NM_021625.5 (MANE Select); coding-DNA position 166, C replaced by T.
Protein change: p.Arg56Cys; replaces arginine 56 with cysteine.
Molecular consequence: missense variant. On other transcripts: intron variant (1).
Genome position (GRCh38, 1-based): chr12:109,814,631, G>A on the plus strand (C>T on the coding strand, the complement: TRPV4 is on the minus strand). VCF-style: chr12-109814631-G-A. GRCh37 (hg19) VCF-style: chr12-110252436-G-A.
Other names: c.166C>T, p.Arg56Cys (NM_001177428.2, NM_001177433.2, NM_147204.3); c.80-16C>T (NM_001177431.1); short protein forms R56C.
Identifiers: ClinVar variation 837170 (VCV000837170.10), dbSNP rs775092573, ClinGen allele CA6780605.